The following is an entry in ClinVar:

ClinVar aggregate classification (germline): Uncertain significance (1 of 4 stars; one submission).

Conditions:
Hereditary cancer-predisposing syndrome. Also called: Neoplastic Syndromes, Hereditary; Tumor predisposition; Hereditary neoplastic syndrome; Hereditary Cancer Syndrome. Identifiers: Orphanet 140162, MedGen C0027672, MeSH D009386, MONDO:0015356.

Submission:

Ambry Genetics
Classification: Uncertain significance for Hereditary cancer-predisposing syndrome. Last evaluated: 2026-03-31. Review status: criteria provided, single submitter. Criteria: Ambry Variant Classification Scheme 2023. Collection method: clinical testing. Allele origin: germline.
Comment: The p.A76G variant (also known as c.227C>G), located in coding exon 2 of the CDKN2A gene, results from a C to G substitution at nucleotide position 227. The alanine at codon 76 is replaced by glycine, an amino acid with similar properties. Of note, this variant is also known as c.270C>G in the p14(ARF) isoform. This amino acid position is not well conserved in available vertebrate species. In addition, this alteration is predicted to be tolerated by in silico analysis. Based on the available evidence, the clinical significance of this variant remains unclear.

NM_000077.5(CDKN2A):c.227C>G (p.Ala76Gly)

Gene: CDKN2A (cyclin dependent kinase inhibitor 2A; minus strand). Cytogenetic location: 9p21.3.
Variant type: single nucleotide variant.
Coding change: c.227C>G on transcript NM_000077.5; coding-DNA position 227, C replaced by G.
Protein change: p.Ala76Gly; replaces alanine 76 with glycine.
Molecular consequence: missense variant (on NM_000077.6). On other transcripts: synonymous variant (1), 3 prime UTR variant (1).
Genome position (GRCh38, 1-based): chr9:21,971,132, G>C on the plus strand (C>G on the coding strand, the complement: CDKN2A is on the minus strand). VCF-style: chr9-21971132-G-C. GRCh37 (hg19) VCF-style: chr9-21971131-G-C.
Other names: c.227C>G, p.Ala76Gly (NM_000077.6, NM_001195132.2); c.74C>G, p.Ala25Gly (NM_001363763.2); c.270C>G, p.Arg90= (NM_058195.4); c.*150C>G (NM_058197.5); short protein forms A25G, A76G.
Identifiers: ClinVar variation 4868643 (VCV004868643.1).
Genomic context (GRCh38, chr9:21,971,132, plus strand): 5'-ACCACCAGCGTGTCCAGGAAGCCCTCCCGGGCAGCGTCGTGCACGGGTCGGGTGAGAGTG[G>C]CGGGGTCGGCGCAGTTGGGCTCCGCGCCGTGGAGCAGCAGCAGCTCCGCCACTCGGGCGC-3'
Protein context (NP_000068.1, residues 66-86): HGAEPNCADP[Ala76Gly]TLTRPVHDAA